The following is an entry in ClinVar:

ClinVar aggregate classification (germline): Uncertain significance (1 of 4 stars; one submission).

Allele frequency attached by ClinVar (database versions not stated): gnomAD 0.00002 and 0.00003; TOPMed 0.00003.
gnomAD v4.1: 12 of 1,537,356 alleles (0.00078%); highest among the groups gnomAD compares: African/African-American, 0.0041%; no homozygotes.

Submission:

Labcorp Genetics (formerly Invitae), Labcorp
Classification: Uncertain significance. Last evaluated: 2022-11-01. Review status: criteria provided, single submitter. Criteria: Invitae Variant Classification Sherloc (09022015). Collection method: clinical testing. Allele origin: germline.
Comment: This sequence change replaces isoleucine, which is neutral and non-polar, with valine, which is neutral and non-polar, at codon 1959 of the MPDZ protein (p.Ile1959Val). In summary, the available evidence is currently insufficient to determine the role of this variant in disease. Therefore, it has been classified as a Variant of Uncertain Significance. Algorithms developed to predict the effect of missense changes on protein structure and function are either unavailable or do not agree on the potential impact of this missense change (SIFT: "Deleterious"; PolyPhen-2: "Benign"; Align-GVGD: "Class C0"). ClinVar contains an entry for this variant (Variation ID: 1494662). This variant has not been reported in the literature in individuals affected with MPDZ-related conditions. The frequency data for this variant in the population databases is considered unreliable, as metrics indicate poor data quality at this position in the gnomAD database.

NM_001378778.1(MPDZ):c.5962A>G (p.Ile1988Val)

Gene: MPDZ (multiple PDZ domain crumbs cell polarity complex component; minus strand). Cytogenetic location: 9p23.
Variant type: single nucleotide variant.
Coding change: c.5962A>G on transcript NM_001378778.1 (MANE Select); coding-DNA position 5962, A replaced by G.
Protein change: p.Ile1988Val; replaces isoleucine 1988 with valine.
Molecular consequence: missense variant.
Genome position (GRCh38, 1-based): chr9:13,109,040, T>C on the plus strand (A>G on the coding strand, the complement: MPDZ is on the minus strand). VCF-style: chr9-13109040-T-C. GRCh37 (hg19) VCF-style: chr9-13109039-T-C.
Other names: c.5863A>G, p.Ile1955Val (NM_001261406.2, NM_001375416.1, NM_001375417.1 and 1 more transcripts); c.5776A>G, p.Ile1926Val (NM_001261407.2, NM_001375419.1); c.5962A>G, p.Ile1988Val (NM_001330637.2); c.6061A>G, p.Ile2021Val (NM_001375413.1); c.5752A>G, p.Ile1918Val (NM_001375420.1, NM_001375421.1, NM_001375422.1 and 2 more transcripts); c.5665A>G, p.Ile1889Val (NM_001375425.1, NM_001375426.1); c.5554A>G, p.Ile1852Val (NM_001375427.1); c.5875A>G, p.Ile1959Val (NM_003829.5); short protein forms I1889V, I1918V, I1988V, I1852V, I1926V, I1955V, I1959V, I2021V.
Identifiers: ClinVar variation 1494662 (VCV001494662.6), dbSNP rs754448147, ClinGen allele CA4986013.